The following is an entry in ClinVar:

NM_201384.3(PLEC):c.6190_6201del (p.Glu2064_Gln2067del)

Gene: PLEC (plectin; minus strand). Cytogenetic location: 8q24.3.
Variant type: Deletion.
Coding change: c.6190_6201del on transcript NM_201384.3 (MANE Select); coding-DNA positions 6190 to 6201, 12 bases deleted (GAGCTACAGCAG).
Protein change: p.Glu2064_Gln2067del.
Molecular consequence: inframe deletion.
Genome position (GRCh38, 1-based): chr8:143,923,728-143,923,739, CTGCTGTAGCTC deleted on the plus strand (GAGCTACAGCAG on the coding strand, the reverse complement: PLEC is on the minus strand); deleting any 12 consecutive bases within chr8:143,923,728-143,923,744 gives the same sequence; the c. name uses the placement nearest the transcript's 3' end. VCF-style (leftmost placement, unchanged base first): chr8-143923727-TCTGCTGTAGCTC-T. GRCh37 (hg19) VCF-style: chr8-144997895-TCTGCTGTAGCTC-T.
Other names: c.6271_6282del, p.Glu2091_Gln2094del (NM_000445.5); c.6148_6159del, p.Glu2050_Gln2053del (NM_201378.4); c.6124_6135del, p.Glu2042_Gln2045del (NM_201379.3); c.6601_6612del, p.Glu2201_Gln2204del (NM_201380.4); c.6094_6105del, p.Glu2032_Gln2035del (NM_201381.3); c.6190_6201del, p.Glu2064_Gln2067del (NM_201382.4); c.6202_6213del, p.Glu2068_Gln2071del (NM_201383.3).
Identifiers: ClinVar variation 948135 (VCV000948135.7), dbSNP rs782102115, ClinGen allele CA4926081.

ClinVar aggregate classification (germline): Uncertain significance (1 of 4 stars; one submission).

Conditions:
Epidermolysis bullosa simplex 5B, with muscular dystrophy (EBS5B). Also called: EPIDERMOLYSIS BULLOSA SIMPLEX AND LIMB-GIRDLE MUSCULAR DYSTROPHY; Epidermolysis bullosa simplex with muscular dystrophy. Identifiers: Orphanet 257, MedGen C2931072, MONDO:0009181, OMIM 226670.
Epidermolysis bullosa simplex with nail dystrophy (EBS5D). Identifiers: MedGen C4225309, MONDO:0014661, OMIM 616487.
Epidermolysis bullosa simplex, Ogna type (EBS5A). Also called: EPIDERMOLYSIS BULLOSA SIMPLEX 5A, OGNA TYPE; Pidermolysis bullosa simplex 5A, Ogna type. Identifiers: Orphanet 79401, MedGen C0432317, MONDO:0007555, OMIM 131950.
Autosomal recessive limb-girdle muscular dystrophy type 2Q (LGMDR17). Also called: MUSCULAR DYSTROPHY, LIMB-GIRDLE, AUTOSOMAL RECESSIVE 17. Identifiers: Orphanet 254361, MedGen C3150989, MONDO:0013390, OMIM 613723.
Epidermolysis bullosa simplex 5C, with pyloric atresia (EBS5C). Also called: Epidermolysis bullosa simplex with pyloric atresia; PLEC-Related Epidermolysis Bullosa with Pyloric Atresia; PLEC1-Related Epidermolysis Bullosa with Pyloric Atresia. Identifiers: Orphanet 158684, MedGen C2677349, MONDO:0012807, OMIM 612138.

Submission:

Labcorp Genetics (formerly Invitae), Labcorp
Classification: Uncertain significance for Autosomal recessive limb-girdle muscular dystrophy type 2Q; Epidermolysis bullosa simplex, Ogna type; Epidermolysis bullosa simplex with nail dystrophy; Epidermolysis bullosa simplex 5C, with pyloric atresia; Epidermolysis bullosa simplex 5B, with muscular dystrophy. Last evaluated: 2019-06-18. Review status: criteria provided, single submitter. Criteria: Invitae Variant Classification Sherloc (09022015). Collection method: clinical testing. Allele origin: germline.
Comment: In summary, the available evidence is currently insufficient to determine the role of this variant in disease. Therefore, it has been classified as a Variant of Uncertain Significance. Experimental studies and prediction algorithms are not available or were not evaluated for this variant, and the functional significance of the affected amino acid(s) is currently unknown. This variant has not been reported in the literature in individuals with PLEC-related conditions. The frequency data for this variant in the population databases is considered unreliable, as metrics indicate poor data quality at this position in the ExAC database. This variant, c.6271_6282del, results in the deletion of 4 amino acid(s) of the PLEC protein (p.Glu2091_Gln2094del), but otherwise preserves the integrity of the reading frame.